The following is an entry in ClinVar:

ClinVar aggregate classification (germline): Uncertain significance. Review status: criteria provided, multiple submitters, no conflicts (2 of 4 stars). 6 submissions from 6 submitters: Uncertain significance (5). 1 of the submissions does not count toward it. Last evaluated 2026-01-02.

Conditions:
CHEK2-related disorder.
Hereditary cancer-predisposing syndrome. Also called: Neoplastic Syndromes, Hereditary; Tumor predisposition; Hereditary Cancer Syndrome; Hereditary neoplastic syndrome. Identifiers: Orphanet 140162, MedGen C0027672, MeSH D009386, MONDO:0015356.
Familial cancer of breast. Also called: hereditary breast carcinoma; BREAST CANCER, FAMILIAL; Hereditary breast cancer. Identifiers: Orphanet 227535, MedGen C0346153, MONDO:0016419, OMIM 114480. Disease mechanism: loss of function.

Allele frequency attached by ClinVar (database versions not stated): TOPMed below 0.00001; gnomAD 0.00001 and 0.00002; gnomAD exomes 0.00001; ExAC 0.00002.
gnomAD v4.1: 7 of 1,588,434 alleles (0.00044%); highest among the groups gnomAD compares: East Asian, 0.011%; no homozygotes.

Submissions (6):

Labcorp Genetics (formerly Invitae), Labcorp
Classification: Uncertain significance for Familial cancer of breast. Last evaluated: 2026-01-02. Review status: criteria provided, single submitter. Criteria: Invitae Variant Classification Sherloc (09022015). Collection method: clinical testing. Allele origin: germline.
Comment: This sequence change replaces methionine, which is neutral and non-polar, with threonine, which is neutral and polar, at codon 222 of the CHEK2 protein (p.Met222Thr). This variant is present in population databases (rs775134484, gnomAD 0.02%). This variant has not been reported in the literature in individuals affected with CHEK2-related conditions. ClinVar contains an entry for this variant (Variation ID: 219820). An algorithm developed to predict the effect of missense changes on protein structure and function (PolyPhen-2) suggests that this variant is likely to be tolerated. In summary, the available evidence is currently insufficient to determine the role of this variant in disease. Therefore, it has been classified as a Variant of Uncertain Significance.

PreventionGenetics, part of Exact Sciences
Classification: Uncertain significance for CHEK2-related condition. Last evaluated: 2025-08-27. Review status: criteria provided, single submitter. Criteria: ACMG Guidelines, 2015. Collection method: clinical testing. Allele origin: germline.
Comment: The CHEK2 c.2T>C variant is predicted to disrupt the translation initiation site (Start Loss). This variant is also known as c.665T>C (p.Met222Thr) on the clinically relevant transcript (NM_007194). To our knowledge, this variant has not been reported in the literature in individuals affected with CHEK2-related disease. This variant is reported in 0.026% of alleles in individuals of East Asian descent in gnomAD. Functional studies suggest that this variant does not impact CHEK2 protein function (Stolarova et al. 2023. PubMed ID: 37449874). This variant is classified as uncertain in ClinVar (Variation ID: 219820). At this time, the clinical significance of this variant is uncertain due to the absence of conclusive functional and genetic evidence.

Ambry Genetics
Classification: Uncertain significance for Hereditary cancer-predisposing syndrome. Last evaluated: 2025-02-10. Review status: criteria provided, single submitter. Criteria: Ambry Variant Classification Scheme 2023. Collection method: clinical testing. Allele origin: germline.
Comment: The p.M222T variant (also known as c.665T>C), located in coding exon 4 of the CHEK2 gene, results from a T to C substitution at nucleotide position 665. The methionine at codon 222 is replaced by threonine, an amino acid with similar properties. This variant was reported as functional in a study assessing CHEK2-complementation through quantification of KAP1 phosphorylation and CHK2 autophosphorylation in human RPE1-CHEK2-knockout cells (Stolarova L et al. Clin Cancer Res, 2023 Aug;29:3037-3050). This amino acid position is well conserved in available vertebrate species. In addition, the in silico prediction for this alteration is inconclusive. Based on the available evidence, the clinical significance of this variant remains unclear.

Myriad Genetics, Inc.
Classification: Uncertain significance for Familial cancer of breast. Last evaluated: 2023-03-08. Review status: criteria provided, single submitter. Criteria: Myriad Autosomal Dominant, Autosomal Recessive and X-Linked Classification Criteria (2023). Collection method: clinical testing. Allele origin: unknown.
Comment: This variant is classified as a variant of uncertain significance as there is insufficient evidence to determine its impact on protein function and/or cancer risk.

Color Diagnostics, LLC DBA Color Health
Classification: Uncertain significance for Hereditary cancer-predisposing syndrome. Last evaluated: 2019-09-19. Review status: criteria provided, single submitter. Criteria: ACMG Guidelines, 2015. Collection method: clinical testing. Allele origin: germline.
Comment: This missense variant replaces methionine with threonine at codon 222 of the CHEK2 protein. Computational prediction tools and conservation analyses suggest that this variant may not impact protein structure and function. Splice site prediction tools suggest that this variant may not impact RNA splicing. To our knowledge, functional studies have not been performed for this variant. This variant has not been reported in individuals affected with hereditary cancer in the literature. This variant has been identified in 5/259388 chromosomes in the general population by the Genome Aggregation Database (gnomAD). The available evidence is insufficient to determine the role of this variant in disease conclusively. Therefore, this variant is classified as a Variant of Uncertain Significance.

Counsyl
Classification: Uncertain significance for Familial cancer of breast. Last evaluated: 2016-11-14. Review status: no assertion criteria provided. Collection method: clinical testing. Allele origin: unknown. Not counted in ClinVar's aggregate classification.

Literature cited by the submitters: PubMed 37449874 (cited by Ambry Genetics).

NM_007194.4(CHEK2):c.665T>C (p.Met222Thr)

Gene: CHEK2 (checkpoint kinase 2; minus strand). Cytogenetic location: 22q12.1.
Variant type: single nucleotide variant.
Coding change: c.665T>C on transcript NM_007194.4 (MANE Select); coding-DNA position 665, T replaced by C.
Protein change: p.Met222Thr; replaces methionine 222 with threonine.
Molecular consequence: missense variant. On other transcripts: intron variant (1), initiator codon variant (2).
Genome position (GRCh38, 1-based): chr22:28,719,413, A>G on the plus strand (T>C on the coding strand, the complement: CHEK2 is on the minus strand). VCF-style: chr22-28719413-A-G. GRCh37 (hg19) VCF-style: chr22-29115401-A-G.
Other names: c.2T>C (NM_001257387.1); c.482+5473T>C (NM_001349956.3); c.794T>C, p.Met265Thr (NM_001005735.3, NM_001438294.1); c.2T>C, p.Met1Thr (NM_001257387.3, NM_001437942.1); c.758T>C, p.Met253Thr (NM_001438293.1, NM_001438295.1); c.665T>C, p.Met222Thr (NM_145862.3); short protein forms M222T, M1T, M265T, M253T.
Identifiers: ClinVar variation 219820 (VCV000219820.22), dbSNP rs775134484, ClinGen allele CA348780.
Genomic context (GRCh38, chr22:28,719,413, plus strand): 5'-TAGTGAAAAAATTAAGTGCATTTATATAAGAAAATAATTTACCTTCCAAGAGTTTTTGAC[A>G]TGATGTATTCATCTCTTAATGCCTTAGGATAAACTGACTGATCATCTACAGTCAGATCAA-3'
Protein context (NP_009125.1, residues 212-232): YPKALRDEYI[Met222Thr]SKTLGSGACG